The following is an entry in ClinVar:

NM_001099922.3(ALG13):c.3405G>A (p.Gln1135=)

Gene: ALG13 (ALG13 UDP-N-acetylglucosaminyltransferase subunit; plus strand). Cytogenetic location: Xq23.
Variant type: single nucleotide variant.
Coding change: c.3405G>A on transcript NM_001099922.3 (MANE Select); coding-DNA position 3405, G replaced by A.
Protein change: p.Gln1135=; no amino-acid change (glutamine 1135 retained).
Molecular consequence: synonymous variant. On other transcripts: non-coding transcript variant (1).
Genome position (GRCh38, 1-based): chrX:111,759,990, G>A. VCF-style: chrX-111759990-G-A. GRCh37 (hg19) VCF-style: chrX-111003218-G-A.
Other names: c.2856G>A, p.Gln952= (NM_001257230.2, NM_001257234.2, NM_001257237.2); c.3171G>A, p.Gln1057= (NM_001257231.2); c.3168G>A, p.Gln1056= (NM_001324292.2); c.2682G>A, p.Gln894= (NM_001324293.1).
Identifiers: ClinVar variation 4702450 (VCV004702450.1).

ClinVar aggregate classification (germline): Uncertain significance (1 of 4 stars; one submission).

Conditions:
Developmental and epileptic encephalopathy, 36 (DEE36). Also called: Epileptic encephalopathy, early infantile, 36; ALG13-CDG; Congenital disorder of glycosylation, type Is. Identifiers: Orphanet 324422, MedGen C4317295, MONDO:0010472, OMIM 300884.

gnomAD v4.1: 1 of 1,209,997 alleles (0.000083%); highest among the groups gnomAD compares: Non-Finnish European, 0.00011%; no homozygotes.

Submission:

Labcorp Genetics (formerly Invitae), Labcorp
Classification: Uncertain significance for Developmental and epileptic encephalopathy, 36. Last evaluated: 2025-03-18. Review status: criteria provided, single submitter. Criteria: Invitae Variant Classification Sherloc (09022015). Collection method: clinical testing. Allele origin: germline.
Comment: This sequence change affects codon 1135 of the ALG13 mRNA. It is a 'silent' change, meaning that it does not change the encoded amino acid sequence of the ALG13 protein. The frequency data for this variant in the population databases is considered unreliable, as metrics indicate poor data quality at this position in the gnomAD database. This variant has not been reported in the literature in individuals affected with ALG13-related conditions. Algorithms developed to predict the effect of sequence changes on RNA splicing suggest that this variant may create or strengthen a splice site. In summary, the available evidence is currently insufficient to determine the role of this variant in disease. Therefore, it has been classified as a Variant of Uncertain Significance.